The following is an entry in ClinVar:

NM_000059.4(BRCA2):c.5694T>G (p.Asp1898Glu)

Gene: BRCA2 (BRCA2 DNA repair associated; plus strand). Cytogenetic location: 13q13.1.
Variant type: single nucleotide variant.
Coding change: c.5694T>G on transcript NM_000059.4 (MANE Select); coding-DNA position 5694, T replaced by G.
Protein change: p.Asp1898Glu; replaces aspartic acid 1898 with glutamic acid.
Molecular consequence: missense variant.
Genome position (GRCh38, 1-based): chr13:32,340,049, T>G. VCF-style: chr13-32340049-T-G. GRCh37 (hg19) VCF-style: chr13-32914186-T-G.
Other names: short protein forms D1898E.
Identifiers: ClinVar variation 230766 (VCV000230766.16), dbSNP rs876658756, ClinGen allele CA10579663.

ClinVar aggregate classification (germline): Conflicting classifications of pathogenicity. Review status: criteria provided, conflicting classifications (1 of 4 stars). 5 submissions from 5 submitters: Uncertain significance (2); Likely benign (3). Last evaluated 2024-10-03.

Conditions:
Hereditary cancer-predisposing syndrome. Also called: Hereditary Cancer Syndrome; Neoplastic Syndromes, Hereditary; Tumor predisposition; Hereditary neoplastic syndrome. Identifiers: Orphanet 140162, MedGen C0027672, MeSH D009386, MONDO:0015356.
Breast-ovarian cancer, familial, susceptibility to, 2 (BROVCA2). Also called: BRCA2 Hereditary Breast and Ovarian Cancer. Identifiers: Orphanet 145, MedGen C2675520, MONDO:0012933, OMIM 612555. Disease mechanism: loss of function.
Hereditary breast ovarian cancer syndrome. Also called: Hereditary breast and/or ovarian cancer syndrome; BRCA1- and BRCA2-Associated Hereditary Breast and Ovarian Cancer; Hereditary breast and ovarian cancer syndrome (HBOC); Hereditary breast and ovarian cancer; Hereditary breast and ovarian cancer syndrome; Breast and ovarian cancer. Identifiers: Orphanet 145, MedGen C0677776, MeSH D061325, MONDO:0003582. Disease mechanism: loss of function.

Allele frequency attached by ClinVar (database versions not stated): gnomAD exomes below 0.00001.
gnomAD v4.1: 1 of 1,613,746 alleles (0.000062%); highest among the groups gnomAD compares: Middle Eastern, 0.017%; no homozygotes.

Submissions (5):

Labcorp Genetics (formerly Invitae), Labcorp
Classification: Uncertain significance for Hereditary breast ovarian cancer syndrome. Last evaluated: 2024-10-03. Review status: criteria provided, single submitter. Criteria: Invitae Variant Classification Sherloc (09022015). Collection method: clinical testing. Allele origin: germline.
Comment: This sequence change replaces aspartic acid, which is acidic and polar, with glutamic acid, which is acidic and polar, at codon 1898 of the BRCA2 protein (p.Asp1898Glu). This variant is not present in population databases (gnomAD no frequency). This variant has not been reported in the literature in individuals affected with BRCA2-related conditions. ClinVar contains an entry for this variant (Variation ID: 230766). Invitae Evidence Modeling of protein sequence and biophysical properties (such as structural, functional, and spatial information, amino acid conservation, physicochemical variation, residue mobility, and thermodynamic stability) indicates that this missense variant is not expected to disrupt BRCA2 protein function with a negative predictive value of 95%. In summary, the available evidence is currently insufficient to determine the role of this variant in disease. Therefore, it has been classified as a Variant of Uncertain Significance.

Color Diagnostics, LLC DBA Color Health
Classification: Likely benign for Hereditary cancer-predisposing syndrome. Last evaluated: 2024-09-23. Review status: criteria provided, single submitter. Criteria: ACMG Guidelines, 2015. Collection method: clinical testing. Allele origin: germline.

Molecular Pathology, Peter Maccallum Cancer Centre
Classification: Likely benign for Breast-ovarian cancer, familial, susceptibility to, 2. Last evaluated: 2024-06-30. Review status: criteria provided, single submitter. Criteria: ACMG Guidelines, 2015. Collection method: clinical testing. Allele origin: germline. Inheritance: Autosomal dominant inheritance.

University of Washington Department of Laboratory Medicine, University of Washington
Classification: Likely benign for Hereditary cancer-predisposing syndrome. Last evaluated: 2023-03-23. Review status: criteria provided, single submitter. Criteria: Dines et al. (Genet Med. 2020). Collection method: curation. Allele origin: germline.
Comment: Missense variant in a coldspot region where missense variants are very unlikely to be pathogenic (PMID:31911673).

BRCA2 exon 11 coldspot. Reclassification based on statistical prior probability.

Ambry Genetics
Classification: Uncertain significance for Hereditary cancer-predisposing syndrome. Last evaluated: 2015-03-09. Review status: criteria provided, single submitter. Criteria: Ambry Variant Classification Scheme 2023. Collection method: clinical testing. Allele origin: germline.
Comment: The p.D1898E variant (also known as c.5694T>G or 5922T>G), located in coding exon 10 of the BRCA2 gene, results from a T to G substitution at nucleotide position 5694. The aspartic acid at codon 1898 is replaced by glutamic acid, an amino acid with highly similar properties. This variant was not reported in population based cohorts in the following databases: Database of Single Nucleotide Polymorphisms (dbSNP), NHLBI Exome Sequencing Project (ESP), and 1000 Genomes Project. In the ESP, this variant was not observed in 6502 samples (13004 alleles) with coverage at this position. To date, this alteration has been detected with an allele frequency of approximately 0.0003% (greater than 300000 alleles tested) in our clinical cohort. This amino acid position is poorly conserved in available vertebrate species. In addition, this alteration is predicted to be tolerated by in silico analysis. Since supporting evidence is limited at this time, the clinical significance of this alteration remains unclear.